The following is an entry in ClinVar:

ClinVar aggregate classification (germline): Uncertain significance (1 of 4 stars; one submission).

Allele frequency attached by ClinVar (database versions not stated): TOPMed below 0.00001.
gnomAD v4.1: 1 of 1,613,894 alleles (0.000062%); no homozygotes.

Submission:

Labcorp Genetics (formerly Invitae), Labcorp
Classification: Uncertain significance. Last evaluated: 2023-07-17. Review status: criteria provided, single submitter. Criteria: Invitae Variant Classification Sherloc (09022015). Collection method: clinical testing. Allele origin: germline.
Comment: Algorithms developed to predict the effect of missense changes on protein structure and function output the following: SIFT: "Not Available"; PolyPhen-2: "Benign"; Align-GVGD: "Not Available". The asparagine amino acid residue is found in multiple mammalian species, which suggests that this missense change does not adversely affect protein function. This variant has not been reported in the literature in individuals affected with INTU-related conditions. This variant is not present in population databases (gnomAD no frequency). This sequence change replaces serine, which is neutral and polar, with asparagine, which is neutral and polar, at codon 12 of the INTU protein (p.Ser12Asn). In summary, the available evidence is currently insufficient to determine the role of this variant in disease. Therefore, it has been classified as a Variant of Uncertain Significance.

NM_015693.4(INTU):c.35G>A (p.Ser12Asn)

Gene: INTU (inturned planar cell polarity protein; plus strand). Cytogenetic location: 4q28.1.
Variant type: single nucleotide variant.
Coding change: c.35G>A on transcript NM_015693.4 (MANE Select); coding-DNA position 35, G replaced by A.
Protein change: p.Ser12Asn; replaces serine 12 with asparagine.
Molecular consequence: missense variant.
Genome position (GRCh38, 1-based): chr4:127,633,069, G>A. VCF-style: chr4-127633069-G-A. GRCh37 (hg19) VCF-style: chr4-128554224-G-A.
Other names: short protein forms S12N.
Identifiers: ClinVar variation 2994592 (VCV002994592.3), dbSNP rs1279975484, ClinGen allele CA358131802.